The following is an entry in ClinVar:

NM_006767.4(LZTR1):c.1037A>G (p.Glu346Gly)

Gene: LZTR1 (leucine zipper like post translational regulator 1; plus strand). Cytogenetic location: 22q11.21.
Variant type: single nucleotide variant.
Coding change: c.1037A>G on transcript NM_006767.4 (MANE Select); coding-DNA position 1037, A replaced by G.
Protein change: p.Glu346Gly; replaces glutamic acid 346 with glycine.
Molecular consequence: missense variant.
Genome position (GRCh38, 1-based): chr22:20,992,257, A>G. VCF-style: chr22-20992257-A-G. GRCh37 (hg19) VCF-style: chr22-21346546-A-G.
Other names: short protein forms E346G.
Identifiers: ClinVar variation 1772819 (VCV001772819.3), dbSNP rs2518617983, ClinGen allele CA410781850.

ClinVar aggregate classification (germline): Uncertain significance. Review status: criteria provided, multiple submitters, no conflicts (2 of 4 stars). 2 submissions from 2 submitters: Uncertain significance (2). Last evaluated 2025-09-09.

Conditions:
Cardiovascular phenotype. Identifiers: MedGen CN230736.
Hereditary cancer-predisposing syndrome. Also called: Hereditary Cancer Syndrome; Hereditary neoplastic syndrome; Neoplastic Syndromes, Hereditary; Tumor predisposition. Identifiers: Orphanet 140162, MedGen C0027672, MeSH D009386, MONDO:0015356.

Allele frequency attached by ClinVar (database versions not stated): gnomAD exomes below 0.00001.
gnomAD v4.1: 1 of 1,613,948 alleles (0.000062%); highest among the groups gnomAD compares: Non-Finnish European, 0.000085%; no homozygotes.

Submissions (2):

Labcorp Genetics (formerly Invitae), Labcorp
Classification: Uncertain significance. Last evaluated: 2025-09-09. Review status: criteria provided, single submitter. Criteria: Invitae Variant Classification Sherloc (09022015). Collection method: clinical testing. Allele origin: germline.
Comment: This sequence change replaces glutamic acid, which is acidic and polar, with glycine, which is neutral and non-polar, at codon 346 of the LZTR1 protein (p.Glu346Gly). This variant is not present in population databases (gnomAD no frequency). This variant has not been reported in the literature in individuals affected with LZTR1-related conditions. ClinVar contains an entry for this variant (Variation ID: 1772819). Invitae Evidence Modeling of protein sequence and biophysical properties (such as structural, functional, and spatial information, amino acid conservation, physicochemical variation, residue mobility, and thermodynamic stability) indicates that this missense variant is not expected to disrupt LZTR1 protein function with a negative predictive value of 80%. In summary, the available evidence is currently insufficient to determine the role of this variant in disease. Therefore, it has been classified as a Variant of Uncertain Significance.

Ambry Genetics
Classification: Uncertain significance for Cardiovascular phenotype; Hereditary cancer-predisposing syndrome. Last evaluated: 2022-03-31. Review status: criteria provided, single submitter. Criteria: Ambry Variant Classification Scheme 2023. Collection method: clinical testing. Allele origin: germline.
Comment: The p.E346G variant (also known as c.1037A>G), located in coding exon 10 of the LZTR1 gene, results from an A to G substitution at nucleotide position 1037. The glutamic acid at codon 346 is replaced by glycine, an amino acid with similar properties. This amino acid position is conserved. In addition, this alteration is predicted to be tolerated by in silico analysis. Since supporting evidence is limited at this time, the clinical significance of this alteration remains unclear.